The following is an entry in ClinVar:

NM_000257.4(MYH7):c.2292C>G (p.Phe764Leu)

Genes: MYH7 (myosin heavy chain 7; minus strand), LOC126861898 (BRD4-independent group 4 enhancer GRCh37_chr14:23893609-23894808; plus strand). Cytogenetic location: 14q11.2.
Variant type: single nucleotide variant.
Coding change: c.2292C>G on transcript NM_000257.4 (MANE Select); coding-DNA position 2292, C replaced by G.
Protein change: p.Phe764Leu; replaces phenylalanine 764 with leucine.
Molecular consequence: missense variant.
Genome position (GRCh38, 1-based): chr14:23,425,413, G>C on the plus strand (C>G on the coding strand, the complement: MYH7 is on the minus strand). VCF-style: chr14-23425413-G-C. GRCh37 (hg19) VCF-style: chr14-23894622-G-C.
Other names: c.2292C>G, p.Phe764Leu (LRG_384t1); short protein forms F764L.
Identifiers: ClinVar variation 14109 (VCV000014109.11), dbSNP rs121913643, ClinGen allele CA012091.

ClinVar aggregate classification (germline): Pathogenic. Review status: criteria provided, single submitter (1 of 4 stars). 2 submissions from 2 submitters: Pathogenic (1). 1 of the submissions does not count toward it. Last evaluated 2024-06-09.

Conditions:
Dilated cardiomyopathy 1S (CMD1S). Identifiers: Orphanet 154, Orphanet 54260, MedGen C1834481, MONDO:0013262, OMIM 613426.
Hypertrophic cardiomyopathy. Also called: HYPERTROPHIC MYOCARDIOPATHY. Identifiers: Orphanet 217569, MedGen C0007194, MeSH D002312, MONDO:0005045, HP:0001639.

Submissions (2):

Labcorp Genetics (formerly Invitae), Labcorp
Classification: Pathogenic for Hypertrophic cardiomyopathy. Last evaluated: 2024-06-09. Review status: criteria provided, single submitter. Criteria: Invitae Variant Classification Sherloc (09022015). Collection method: clinical testing. Allele origin: germline.
Comment: This sequence change replaces phenylalanine, which is neutral and non-polar, with leucine, which is neutral and non-polar, at codon 764 of the MYH7 protein (p.Phe764Leu). This variant is not present in population databases (gnomAD no frequency). This missense change has been observed in individuals with dilated cardiomyopathy (PMID: 11106718; Invitae). It has also been observed to segregate with disease in related individuals. ClinVar contains an entry for this variant (Variation ID: 14109). Advanced modeling of protein sequence and biophysical properties (such as structural, functional, and spatial information, amino acid conservation, physicochemical variation, residue mobility, and thermodynamic stability) performed at Invitae indicates that this missense variant is expected to disrupt MYH7 protein function with a positive predictive value of 95%. Experimental studies have shown that this missense change affects MYH7 function (PMID: 16983074, 17351073, 23313350, 30674652). This variant is found within a region of MYH7 between codons 181 and 937 that contains the majority of the myosin head domain. Missense variants in this region have been shown to be significantly overrepresented in individuals with hypertrophic cardiomyopathy (PMID: 27532257). For these reasons, this variant has been classified as Pathogenic.

OMIM
Classification: Pathogenic for CARDIOMYOPATHY, DILATED, 1S. Last evaluated: 2000-12-07. Review status: no assertion criteria provided. Collection method: literature only. Allele origin: germline. Not counted in ClinVar's aggregate classification.

Literature cited by the submitters: PubMed 11106718 (cited by Labcorp Genetics (formerly Invitae), Labcorp and OMIM); PubMed 16983074 (cited by Labcorp Genetics (formerly Invitae), Labcorp); PubMed 17351073 (cited by Labcorp Genetics (formerly Invitae), Labcorp); PubMed 23313350 (cited by Labcorp Genetics (formerly Invitae), Labcorp); PubMed 30674652 (cited by Labcorp Genetics (formerly Invitae), Labcorp); PubMed 27532257 (cited by Labcorp Genetics (formerly Invitae), Labcorp).